The following is an entry in ClinVar:

ClinVar aggregate classification (germline): Likely pathogenic (1 of 4 stars; one submission).

Conditions:
Inborn genetic diseases. Identifiers: MedGen C0950123, MeSH D030342.

Submission:

Ambry Genetics
Classification: Likely pathogenic for Inborn genetic diseases. Last evaluated: 2025-07-31. Review status: criteria provided, single submitter. Criteria: Ambry Variant Classification Scheme 2023. Collection method: clinical testing. Allele origin: germline.
Comment: The c.1943T>C (p.M648T) alteration is located in exon 18 (coding exon 18) of the SMC3 gene. This alteration results from a T to C substitution at nucleotide position 1943, causing the methionine (M) at amino acid position 648 to be replaced by a threonine (T). This variant was not reported in population-based cohorts in the Genome Aggregation Database (gnomAD). Another variant at the same codon, c.1942A>G (p.M648V), has been identified in individual(s) with features consistent with SMC3-related Cornelia de Lange syndrome (Retterer, 2016). This amino acid position is highly conserved in available vertebrate species. This missense alteration is located in a region that has a low rate of benign missense variation (Lek, 2016; Firth, 2009). This alteration is predicted to be deleterious by in silico analysis. Based on the available evidence, this alteration is classified as likely pathogenic.

Literature cited by the submitters: PubMed 26633542.

NM_005445.4(SMC3):c.1943T>C (p.Met648Thr)

Gene: SMC3 (structural maintenance of chromosomes 3; plus strand). Cytogenetic location: 10q25.2.
Variant type: single nucleotide variant.
Coding change: c.1943T>C on transcript NM_005445.4 (MANE Select); coding-DNA position 1943, T replaced by C.
Protein change: p.Met648Thr; replaces methionine 648 with threonine.
Molecular consequence: missense variant.
Genome position (GRCh38, 1-based): chr10:110,593,203, T>C. VCF-style: chr10-110593203-T-C. GRCh37 (hg19) VCF-style: chr10-112352961-T-C.
Other names: short protein forms M648T.
Identifiers: ClinVar variation 4170394 (VCV004170394.1).